The following is an entry in ClinVar:

NM_002439.5(MSH3):c.1331C>A (p.Thr444Lys)

Gene: MSH3 (mutS homolog 3; plus strand). Cytogenetic location: 5q14.1.
Variant type: single nucleotide variant.
Coding change: c.1331C>A on transcript NM_002439.5 (MANE Select); coding-DNA position 1331, C replaced by A.
Protein change: p.Thr444Lys; replaces threonine 444 with lysine.
Molecular consequence: missense variant.
Genome position (GRCh38, 1-based): chr5:80,679,084, C>A. VCF-style: chr5-80679084-C-A. GRCh37 (hg19) VCF-style: chr5-79974903-C-A.
Other names: short protein forms T444K.
Identifiers: ClinVar variation 3398777 (VCV003398777.3).
Genomic context (GRCh38, chr5:80,679,084, plus strand): 5'-TAGAGCTGCTGCTTCCTTCGGCCTTGTCCGAGCAAACAGAGGCGCTCATCCACAGAGCCA[C>A]ATCTGTTAGGTAAGTTGGCACATCACTGGAATATAATACCGATTCTGAAACTTAGGTTTA-3'
Protein context (NP_002430.3, residues 434-454): EQTEALIHRA[Thr444Lys]SVSVQDDRIR

ClinVar aggregate classification (germline): Uncertain significance. Review status: criteria provided, multiple submitters, no conflicts (2 of 4 stars). 2 submissions from 2 submitters: Uncertain significance (2). Last evaluated 2024-11-23.

Conditions:
Hereditary cancer-predisposing syndrome. Also called: Hereditary Cancer Syndrome; Tumor predisposition; Hereditary neoplastic syndrome; Neoplastic Syndromes, Hereditary. Identifiers: Orphanet 140162, MedGen C0027672, MeSH D009386, MONDO:0015356.

Submissions (2):

Ambry Genetics
Classification: Uncertain significance for Hereditary cancer-predisposing syndrome. Last evaluated: 2024-11-23. Review status: criteria provided, single submitter. Criteria: Ambry Variant Classification Scheme 2023. Collection method: clinical testing. Allele origin: germline.
Comment: The p.T444K variant (also known as c.1331C>A), located in coding exon 8 of the MSH3 gene, results from a C to A substitution at nucleotide position 1331. The threonine at codon 444 is replaced by lysine, an amino acid with similar properties. This amino acid position is conserved. In addition, the in silico prediction for this alteration is inconclusive. Based on the available evidence, the clinical significance of this variant remains unclear.

Labcorp Genetics (formerly Invitae), Labcorp
Classification: Uncertain significance. Last evaluated: 2024-07-01. Review status: criteria provided, single submitter. Criteria: Invitae Variant Classification Sherloc (09022015). Collection method: clinical testing. Allele origin: germline.
Comment: This sequence change replaces threonine, which is neutral and polar, with lysine, which is basic and polar, at codon 444 of the MSH3 protein (p.Thr444Lys). This variant is not present in population databases (gnomAD no frequency). This variant has not been reported in the literature in individuals affected with MSH3-related conditions. An algorithm developed to predict the effect of missense changes on protein structure and function (PolyPhen-2) suggests that this variant is likely to be disruptive. In summary, the available evidence is currently insufficient to determine the role of this variant in disease. Therefore, it has been classified as a Variant of Uncertain Significance.